The following is an entry in ClinVar:

ClinVar aggregate classification (germline): Likely benign. Review status: criteria provided, multiple submitters, no conflicts (2 of 4 stars). 4 submissions from 4 submitters: Likely benign (2). 2 of the submissions do not count toward it. Last evaluated 2026-03-01.

Conditions:
KMT2C-related disorder. Also called: KMT2C-related condition; KMT2C-related disorders.

Allele frequency attached by ClinVar (database versions not stated): gnomAD 0.00005 and 0.00006; TOPMed 0.00005; ExAC 0.00011; gnomAD exomes 0.00013.
gnomAD v4.1: 90 of 1,614,060 alleles (0.0056%); highest among the groups gnomAD compares: East Asian, 0.1%; 1 homozygote.

Submissions (4):

CeGaT Center for Human Genetics Tuebingen
Classification: Likely benign. Last evaluated: 2026-03-01. Review status: criteria provided, single submitter. Criteria: CeGaT Center For Human Genetics Tuebingen Variant Classification Criteria Version 2. Collection method: clinical testing. Allele origin: germline. Affected: yes. Observed: 2 variant alleles.
Comment: KMT2C: BP4, BS1

Labcorp Genetics (formerly Invitae), Labcorp
Classification: Likely benign. Last evaluated: 2023-03-04. Review status: criteria provided, single submitter. Criteria: Invitae Variant Classification Sherloc (09022015). Collection method: clinical testing. Allele origin: germline.

PreventionGenetics, part of Exact Sciences
Classification: Likely benign for KMT2C-related condition. Last evaluated: 2022-03-18. Review status: no assertion criteria provided. Collection method: clinical testing. Allele origin: germline. Not counted in ClinVar's aggregate classification.
Comment: This variant is classified as likely benign based on ACMG/AMP sequence variant interpretation guidelines (Richards et al. 2015 PMID: 25741868, with internal and published modifications).

ITMI
No classification provided. Condition: AllHighlyPenetrant. Last evaluated: 2013-09-19. Review status: no classification provided. Collection method: reference population. Allele origin: germline. Not counted in ClinVar's aggregate classification.
Comment: Please see associated publication for description of ethnicities

Literature cited by the submitters: PubMed 24728327 (cited by ITMI).

NM_170606.3(KMT2C):c.5861C>G (p.Ser1954Cys)

Gene: KMT2C (lysine methyltransferase 2C; minus strand). Cytogenetic location: 7q36.1.
Variant type: single nucleotide variant.
Coding change: c.5861C>G on transcript NM_170606.3 (MANE Select); coding-DNA position 5861, C replaced by G.
Protein change: p.Ser1954Cys; replaces serine 1954 with cysteine.
Molecular consequence: missense variant.
Genome position (GRCh38, 1-based): chr7:152,181,999, G>C on the plus strand (C>G on the coding strand, the complement: KMT2C is on the minus strand). VCF-style: chr7-152181999-G-C. GRCh37 (hg19) VCF-style: chr7-151879084-G-C.
Other names: c.5861C>G (NM_170606.2); short protein forms S1954C.
Identifiers: ClinVar variation 134760 (VCV000134760.33), dbSNP rs563948892, ClinGen allele CA160691.